The following is an entry in ClinVar:

ClinVar aggregate classification (germline): Uncertain significance. Review status: criteria provided, multiple submitters, no conflicts (2 of 4 stars). 2 submissions from 2 submitters: Uncertain significance (2). Last evaluated 2024-07-10.

Allele frequency attached by ClinVar (database versions not stated): ExAC 0.00002; gnomAD exomes 0.00002 and 0.00001; ESP Exome Variant Server 0.00008; TOPMed below 0.00001.
gnomAD v4.1: 17 of 1,592,160 alleles (0.0011%); highest among the groups gnomAD compares: South Asian, 0.0022%; no homozygotes.

Submissions (2):

Labcorp Genetics (formerly Invitae), Labcorp
Classification: Uncertain significance. Last evaluated: 2024-07-10. Review status: criteria provided, single submitter. Criteria: Invitae Variant Classification Sherloc (09022015). Collection method: clinical testing. Allele origin: germline.
Comment: This sequence change replaces arginine, which is basic and polar, with glutamine, which is neutral and polar, at codon 13 of the PAFAH1B1 protein (p.Arg13Gln). This variant is present in population databases (rs374766360, gnomAD 0.007%). This variant has not been reported in the literature in individuals affected with PAFAH1B1-related conditions. ClinVar contains an entry for this variant (Variation ID: 92997). An algorithm developed to predict the effect of missense changes on protein structure and function (PolyPhen-2) suggests that this variant is likely to be tolerated. In summary, the available evidence is currently insufficient to determine the role of this variant in disease. Therefore, it has been classified as a Variant of Uncertain Significance.

Eurofins Ntd Llc (ga)
Classification: Uncertain significance. Last evaluated: 2013-10-18. Review status: criteria provided, single submitter. Criteria: EGL Classification Definitions 2015. Collection method: clinical testing. Allele origin: germline. Observed: 1 variant allele, 1 heterozygote.

NM_000430.4(PAFAH1B1):c.38G>A (p.Arg13Gln)

Gene: PAFAH1B1 (platelet activating factor acetylhydrolase 1b regulatory subunit 1; plus strand). Cytogenetic location: 17p13.3.
Variant type: single nucleotide variant.
Coding change: c.38G>A on transcript NM_000430.4 (MANE Select); coding-DNA position 38, G replaced by A.
Protein change: p.Arg13Gln; replaces arginine 13 with glutamine.
Molecular consequence: missense variant.
Genome position (GRCh38, 1-based): chr17:2,665,377, G>A. VCF-style: chr17-2665377-G-A. GRCh37 (hg19) VCF-style: chr17-2568671-G-A.
Other names: short protein forms R13Q.
Identifiers: ClinVar variation 92997 (VCV000092997.11), dbSNP rs374766360, ClinGen allele CA220821.
Genomic context (GRCh38, chr17:2,665,377, plus strand): 5'-CTTCAGAATAGAAATGAGGTCTTTTTTTTAGGAGTCATTTGAATTTTTCTTTCAGAAATC[G>A]AGCTATAGCAGATTATCTTCGTTCAAATGGCTATGAAGAGGCATATTCAGTTTTTAAAAA-3'
Protein context (NP_000421.1, residues 3-23): LSQRQRDELN[Arg13Gln]AIADYLRSNG